The following is an entry in ClinVar:

ClinVar aggregate classification (germline): Uncertain significance (1 of 4 stars; one submission).

gnomAD v4.1: 5 of 1,614,056 alleles (0.00031%); highest among the groups gnomAD compares: Non-Finnish European, 0.00042%; no homozygotes.

Submission:

GeneDx
Classification: Uncertain significance. Last evaluated: 2024-10-27. Review status: criteria provided, single submitter. Criteria: GeneDx Variant Classification Process June 2021. Collection method: clinical testing. Allele origin: germline. Affected: yes.
Comment: Not observed at significant frequency in large population cohorts (gnomAD); In silico analysis supports that this missense variant has a deleterious effect on protein structure/function; Has not been previously published as pathogenic or benign to our knowledge

NM_001291303.3(FAT4):c.14711C>G (p.Pro4904Arg)

Gene: FAT4 (FAT atypical cadherin 4; plus strand). Cytogenetic location: 4q28.1.
Variant type: single nucleotide variant.
Coding change: c.14711C>G on transcript NM_001291303.3 (MANE Select); coding-DNA position 14711, C replaced by G.
Protein change: p.Pro4904Arg; replaces proline 4904 with arginine.
Molecular consequence: missense variant.
Genome position (GRCh38, 1-based): chr4:125,491,527, C>G. VCF-style: chr4-125491527-C-G. GRCh37 (hg19) VCF-style: chr4-126412682-C-G.
Other names: c.14708C>G, p.Pro4903Arg (NM_001291285.3); c.14705C>G, p.Pro4902Arg (NM_024582.6); short protein forms P4902R, P4903R, P4904R.
Identifiers: ClinVar variation 3893649 (VCV003893649.1).
Genomic context (GRCh38, chr4:125,491,527, plus strand): 5'-ATAATTATGGAGCCAGACTGAAGCCTCGAAGGTACCACGGTCGCAGGGCCGAGGGAGGAC[C>G]TGTGGGCACCCAGGCAGCAGCACCAGGCACTGCTGACAACACACTGCCCATGAAGCTAGG-3'
Protein context (NP_001278232.1, residues 4894-4914): RYHGRRAEGG[Pro4904Arg]VGTQAAAPGT